The following is an entry in ClinVar:

ClinVar aggregate classification (germline): Uncertain significance (1 of 4 stars; one submission).

Submission:

GeneDx
Classification: Uncertain significance. Last evaluated: 2026-04-15. Review status: criteria provided, single submitter. Criteria: GeneDx Variant Classification Process June 2021. Collection method: clinical testing. Allele origin: germline.
Comment: Not observed at significant frequency in large population cohorts (gnomAD); In silico analysis supports that this missense variant has a deleterious effect on protein structure/function; Has not been previously published as pathogenic or benign to our knowledge

NM_032271.3(TRAF7):c.446C>T (p.Thr149Met)

Gene: TRAF7 (TNF receptor associated factor 7; plus strand). Cytogenetic location: 16p13.3.
Variant type: single nucleotide variant.
Coding change: c.446C>T on transcript NM_032271.3 (MANE Select); coding-DNA position 446, C replaced by T.
Protein change: p.Thr149Met; replaces threonine 149 with methionine.
Molecular consequence: missense variant.
Genome position (GRCh38, 1-based): chr16:2,171,576, C>T. VCF-style: chr16-2171576-C-T. GRCh37 (hg19) VCF-style: chr16-2221577-C-T.
Other names: short protein forms T149M.
Identifiers: ClinVar variation 3907917 (VCV003907917.2).